The following is an entry in ClinVar:

ClinVar aggregate classification (germline): Likely benign (1 of 4 stars; one submission).

gnomAD v4.1: 9,888 of 1,614,166 alleles (0.61%); highest among the groups gnomAD compares: Non-Finnish European, 0.76%; 35 homozygotes.

Submission:

CeGaT Center for Human Genetics Tuebingen
Classification: Likely benign. Last evaluated: 2026-02-01. Review status: criteria provided, single submitter. Criteria: CeGaT Center For Human Genetics Tuebingen Variant Classification Criteria Version 2. Collection method: clinical testing. Allele origin: germline. Affected: yes. Observed: 1 variant allele.
Comment: MTNR1B: BP4, BS2

NM_005959.5(MTNR1B):c.692G>A (p.Arg231His)

Gene: MTNR1B (melatonin receptor 1B; plus strand). Cytogenetic location: 11q14.3.
Variant type: single nucleotide variant.
Coding change: c.692G>A on transcript NM_005959.5 (MANE Select); coding-DNA position 692, G replaced by A.
Protein change: p.Arg231His; replaces arginine 231 with histidine.
Molecular consequence: missense variant.
Genome position (GRCh38, 1-based): chr11:92,981,915, G>A. VCF-style: chr11-92981915-G-A. GRCh37 (hg19) VCF-style: chr11-92715081-G-A.
Other names: short protein forms R231H.
Identifiers: ClinVar variation 4820720 (VCV004820720.4).